The following is an entry in ClinVar:

ClinVar aggregate classification (germline): Uncertain significance (1 of 4 stars; one submission).

Conditions:
NRP2-related disorder. Also called: NRP2-related condition.

Submission:

PreventionGenetics, part of Exact Sciences
Classification: Uncertain significance for NRP2-related condition. Last evaluated: 2025-09-03. Review status: criteria provided, single submitter. Criteria: ACMG Guidelines, 2015. Collection method: clinical testing. Allele origin: germline.
Comment: The NRP2 c.2629T>C variant is predicted to result in the amino acid substitution p.Tyr877His. To our knowledge, this variant has not been reported in the literature or in a large population database (gnomAD), indicating this variant is rare. At this time, the clinical significance of this variant is uncertain due to the absence of conclusive functional and genetic evidence.

NM_003872.3(NRP2):c.2425+9631T>C

Gene: NRP2 (neuropilin 2; plus strand). Cytogenetic location: 2q33.3.
Variant type: single nucleotide variant.
Coding change: c.2425+9631T>C on transcript NM_003872.3 (MANE Select); 9631 bases into the intron after coding-DNA position 2425, T replaced by C.
Molecular consequence: intron variant. On other transcripts: missense variant (2).
Genome position (GRCh38, 1-based): chr2:205,776,434, T>C. VCF-style: chr2-205776434-T-C. GRCh37 (hg19) VCF-style: chr2-206641158-T-C.
Other names: c.2629T>C, p.Tyr877His (NM_018534.4); c.2614T>C, p.Tyr872His (NM_201267.2); c.2440+9616T>C (NM_201266.2); c.2425+9631T>C (NM_201279.2); short protein forms Y877H, Y872H.
Identifiers: ClinVar variation 4993206 (VCV004993206.1).